The following is an entry in ClinVar:

NM_198129.4(LAMA3):c.6889G>T (p.Asp2297Tyr)

Gene: LAMA3 (laminin subunit alpha 3; plus strand). Cytogenetic location: 18q11.2.
Variant type: single nucleotide variant.
Coding change: c.6889G>T on transcript NM_198129.4 (MANE Select); coding-DNA position 6889, G replaced by T.
Protein change: p.Asp2297Tyr; replaces aspartic acid 2297 with tyrosine.
Molecular consequence: missense variant.
Genome position (GRCh38, 1-based): chr18:23,907,809, G>T. VCF-style: chr18-23907809-G-T. GRCh37 (hg19) VCF-style: chr18-21487773-G-T.
Other names: c.2062G>T, p.Asp688Tyr (NM_000227.6); c.6721G>T, p.Asp2241Tyr (NM_001127717.4); c.1894G>T, p.Asp632Tyr (NM_001127718.4); short protein forms D632Y, D2297Y, D688Y, D2241Y.
Identifiers: ClinVar variation 2233476 (VCV002233476.3), dbSNP rs758017873, ClinGen allele CA297104837.

ClinVar aggregate classification (germline): Uncertain significance. Review status: criteria provided, multiple submitters, no conflicts (2 of 4 stars). 2 submissions from 2 submitters: Uncertain significance (2). Last evaluated 2025-09-21.

Conditions:
Inborn genetic diseases. Identifiers: MedGen C0950123, MeSH D030342.

gnomAD v4.1: 18 of 1,614,022 alleles (0.0011%); highest among the groups gnomAD compares: Non-Finnish European, 0.0015%; no homozygotes.

Submissions (2):

Labcorp Genetics (formerly Invitae), Labcorp
Classification: Uncertain significance. Last evaluated: 2025-09-21. Review status: criteria provided, single submitter. Criteria: Invitae Variant Classification Sherloc (09022015). Collection method: clinical testing. Allele origin: germline.
Comment: This sequence change replaces aspartic acid, which is acidic and polar, with tyrosine, which is neutral and polar, at codon 688 of the LAMA3 protein (p.Asp688Tyr). This variant is not present in population databases (gnomAD no frequency). This variant has not been reported in the literature in individuals affected with LAMA3-related conditions. ClinVar contains an entry for this variant (Variation ID: 2233476). Invitae Evidence Modeling of protein sequence and biophysical properties (such as structural, functional, and spatial information, amino acid conservation, physicochemical variation, residue mobility, and thermodynamic stability) indicates that this missense variant is expected to disrupt LAMA3 protein function with a positive predictive value of 80%. In summary, the available evidence is currently insufficient to determine the role of this variant in disease. Therefore, it has been classified as a Variant of Uncertain Significance.

Ambry Genetics
Classification: Uncertain significance for Inborn genetic diseases. Last evaluated: 2021-06-18. Review status: criteria provided, single submitter. Criteria: Ambry Variant Classification Scheme 2023. Collection method: clinical testing. Allele origin: germline.